The following is an entry in ClinVar:

ClinVar aggregate classification (germline): Uncertain significance (1 of 4 stars; one submission).

gnomAD v4.1: 1 of 1,612,256 alleles (0.000062%); highest among the groups gnomAD compares: Non-Finnish European, 0.000085%; no homozygotes.

Submission:

Labcorp Genetics (formerly Invitae), Labcorp
Classification: Uncertain significance. Last evaluated: 2025-04-11. Review status: criteria provided, single submitter. Criteria: Invitae Variant Classification Sherloc (09022015). Collection method: clinical testing. Allele origin: germline.
Comment: This sequence change replaces serine, which is neutral and polar, with cysteine, which is neutral and slightly polar, at codon 674 of the ADGRE2 protein (p.Ser674Cys). This variant is not present in population databases (gnomAD no frequency). This variant has not been reported in the literature in individuals affected with ADGRE2-related conditions. An algorithm developed to predict the effect of missense changes on protein structure and function (PolyPhen-2) suggests that this variant is likely to be disruptive. In summary, the available evidence is currently insufficient to determine the role of this variant in disease. Therefore, it has been classified as a Variant of Uncertain Significance.

NM_013447.4(ADGRE2):c.2021C>G (p.Ser674Cys)

Gene: ADGRE2 (adhesion G protein-coupled receptor E2; minus strand). Cytogenetic location: 19p13.12.
Variant type: single nucleotide variant.
Coding change: c.2021C>G on transcript NM_013447.4 (MANE Select); coding-DNA position 2021, C replaced by G.
Protein change: p.Ser674Cys; replaces serine 674 with cysteine.
Molecular consequence: missense variant.
Genome position (GRCh38, 1-based): chr19:14,751,439, G>C on the plus strand (C>G on the coding strand, the complement: ADGRE2 is on the minus strand). VCF-style: chr19-14751439-G-C. GRCh37 (hg19) VCF-style: chr19-14862251-G-C.
Other names: c.1847C>G, p.Ser616Cys (NM_001271052.1); c.1874C>G, p.Ser625Cys (NM_152916.2); c.1742C>G, p.Ser581Cys (NM_152917.2); short protein forms S616C, S674C, S581C, S625C.
Identifiers: ClinVar variation 4717328 (VCV004717328.1).